The following is an entry in ClinVar:

ClinVar aggregate classification (germline): Uncertain significance. Review status: criteria provided, multiple submitters, no conflicts (2 of 4 stars). 2 submissions from 2 submitters: Uncertain significance (2). Last evaluated 2026-06-01.

Submissions (2):

CeGaT Center for Human Genetics Tuebingen
Classification: Uncertain significance. Last evaluated: 2026-06-01. Review status: criteria provided, single submitter. Criteria: CeGaT Center For Human Genetics Tuebingen Variant Classification Criteria Version 2. Collection method: clinical testing. Allele origin: germline. Affected: yes. Observed: 1 variant allele.
Comment: TMEM127: PM2, PP3

GeneDx
Classification: Uncertain significance. Last evaluated: 2020-01-20. Review status: criteria provided, single submitter. Criteria: GeneDx Variant Classification Process June 2021. Collection method: clinical testing. Allele origin: germline. Affected: yes.
Comment: Not observed in large population cohorts (Lek et al., 2016); In silico analysis, which includes protein predictors and evolutionary conservation, supports that this variant does not alter protein structure/function; Has not been previously published as pathogenic or benign to our knowledge

NM_017849.4(TMEM127):c.607G>A (p.Glu203Lys)

Gene: TMEM127 (transmembrane protein 127; minus strand). Cytogenetic location: 2q11.2.
Variant type: single nucleotide variant.
Coding change: c.607G>A on transcript NM_017849.4 (MANE Select); coding-DNA position 607, G replaced by A.
Protein change: p.Glu203Lys; replaces glutamic acid 203 with lysine.
Molecular consequence: missense variant.
Genome position (GRCh38, 1-based): chr2:96,253,918, C>T on the plus strand (G>A on the coding strand, the complement: TMEM127 is on the minus strand). VCF-style: chr2-96253918-C-T. GRCh37 (hg19) VCF-style: chr2-96919656-C-T.
Other names: c.607G>A, p.Glu203Lys (NM_001193304.3); short protein forms E203K.
Identifiers: ClinVar variation 1314398 (VCV001314398.4), dbSNP rs2104283542, ClinGen allele CA347651996.